The following is an entry in ClinVar:

ClinVar aggregate classification (germline): Conflicting classifications of pathogenicity. Review status: criteria provided, conflicting classifications (1 of 4 stars). 3 submissions from 3 submitters: Uncertain significance (2); Likely benign (1). Last evaluated 2025-08-01.

Conditions:
Inborn genetic diseases. Identifiers: MedGen C0950123, MeSH D030342.

Allele frequency attached by ClinVar (database versions not stated): gnomAD 0.00001; gnomAD exomes 0.00001 and 0.00002; TOPMed 0.00002; ExAC 0.00003.
gnomAD v4.1: 14 of 1,613,790 alleles (0.00087%); highest among the groups gnomAD compares: South Asian, 0.0033%; no homozygotes.

Submissions (3):

Ambry Genetics
Classification: Uncertain significance for Inborn genetic diseases. Last evaluated: 2025-08-01. Review status: criteria provided, single submitter. Criteria: Ambry Variant Classification Scheme 2023. Collection method: clinical testing. Allele origin: germline.

Labcorp Genetics (formerly Invitae), Labcorp
Classification: Likely benign. Last evaluated: 2025-02-04. Review status: criteria provided, single submitter. Criteria: Invitae Variant Classification Sherloc (09022015). Collection method: clinical testing. Allele origin: germline.

GeneDx
Classification: Uncertain significance. Last evaluated: 2019-06-20. Review status: criteria provided, single submitter. Criteria: GeneDx Variant Classification Process June 2021. Collection method: clinical testing. Allele origin: germline. Affected: yes.
Comment: In silico analysis, which includes protein predictors and evolutionary conservation, supports that this variant does not alter protein structure/function; Has not been previously published as pathogenic or benign to our knowledge

NM_000260.4(MYO7A):c.4993G>A (p.Asp1665Asn)

Gene: MYO7A (myosin VIIA; plus strand). Cytogenetic location: 11q13.5.
Variant type: single nucleotide variant.
Coding change: c.4993G>A on transcript NM_000260.4 (MANE Select); coding-DNA position 4993, G replaced by A.
Protein change: p.Asp1665Asn; replaces aspartic acid 1665 with asparagine.
Molecular consequence: missense variant.
Genome position (GRCh38, 1-based): chr11:77,201,588, G>A. VCF-style: chr11-77201588-G-A. GRCh37 (hg19) VCF-style: chr11-76912633-G-A.
Other names: c.4879G>A, p.Asp1627Asn (NM_001127180.2); c.4846G>A, p.Asp1616Asn (NM_001369365.1); short protein forms D1616N, D1627N, D1665N.
Identifiers: ClinVar variation 951230 (VCV000951230.11), dbSNP rs759272365, ClinGen allele CA6198586.